The following is an entry in ClinVar:

NM_014319.5(LEMD3):c.2696G>A (p.Arg899His)

Gene: LEMD3 (LEM domain containing 3; plus strand). Cytogenetic location: 12q14.3.
Variant type: single nucleotide variant.
Coding change: c.2696G>A on transcript NM_014319.5 (MANE Select); coding-DNA position 2696, G replaced by A.
Protein change: p.Arg899His; replaces arginine 899 with histidine.
Molecular consequence: missense variant.
Genome position (GRCh38, 1-based): chr12:65,246,285, G>A. VCF-style: chr12-65246285-G-A. GRCh37 (hg19) VCF-style: chr12-65640065-G-A.
Other names: c.2693G>A, p.Arg898His (NM_001167614.2); short protein forms R898H, R899H.
Identifiers: ClinVar variation 1002285 (VCV001002285.6), dbSNP rs761501582, ClinGen allele CA6671283.

ClinVar aggregate classification (germline): Uncertain significance (1 of 4 stars; one submission).

Allele frequency attached by ClinVar (database versions not stated): gnomAD exomes 0.00001; ExAC 0.00002; TOPMed 0.00002.
gnomAD v4.1: 14 of 1,613,512 alleles (0.00087%); highest among the groups gnomAD compares: South Asian, 0.0055%; no homozygotes.

Submission:

Labcorp Genetics (formerly Invitae), Labcorp
Classification: Uncertain significance. Last evaluated: 2023-11-24. Review status: criteria provided, single submitter. Criteria: Invitae Variant Classification Sherloc (09022015). Collection method: clinical testing. Allele origin: germline.
Comment: This sequence change replaces arginine, which is basic and polar, with histidine, which is basic and polar, at codon 899 of the LEMD3 protein (p.Arg899His). This variant is present in population databases (rs761501582, gnomAD 0.006%). This variant has not been reported in the literature in individuals affected with LEMD3-related conditions. ClinVar contains an entry for this variant (Variation ID: 1002285). An algorithm developed to predict the effect of missense changes on protein structure and function (PolyPhen-2) suggests that this variant is likely to be disruptive. In summary, the available evidence is currently insufficient to determine the role of this variant in disease. Therefore, it has been classified as a Variant of Uncertain Significance.